The following is an entry in ClinVar:

ClinVar aggregate classification (germline): Pathogenic (1 of 4 stars; one submission).

Conditions:
Joubert syndrome. Also called: CEREBELLOPARENCHYMAL DISORDER IV; JOUBERT-BOLTSHAUSER SYNDROME; Familial aplasia of the vermis. Identifiers: Orphanet 475, MedGen C5979921, MONDO:0018772.
Meckel-Gruber syndrome. Also called: DYSENCEPHALIA SPLANCHNOCYSTICA; GRUBER SYNDROME; Dysencephalia splachnocystica. Identifiers: Orphanet 564, MedGen C0265215, MONDO:0018921.

Submission:

Labcorp Genetics (formerly Invitae), Labcorp
Classification: Pathogenic for Joubert syndrome; Meckel-Gruber syndrome. Last evaluated: 2024-01-19. Review status: criteria provided, single submitter. Criteria: Invitae Variant Classification Sherloc (09022015). Collection method: clinical testing. Allele origin: germline.
Comment: This sequence change creates a premature translational stop signal (p.Gln216Argfs*7) in the RPGRIP1L gene. It is expected to result in an absent or disrupted protein product. Loss-of-function variants in RPGRIP1L are known to be pathogenic (PMID: 17558409). This variant is not present in population databases (gnomAD no frequency). This variant has not been reported in the literature in individuals affected with RPGRIP1L-related conditions. For these reasons, this variant has been classified as Pathogenic.

Literature cited by the submitters: PubMed 17558409.

NM_015272.5(RPGRIP1L):c.647del (p.Gln216fs)

Gene: RPGRIP1L (RPGRIP1 like; minus strand). Cytogenetic location: 16q12.2.
Variant type: Deletion.
Coding change: c.647del on transcript NM_015272.5 (MANE Select); coding-DNA position 647, one base deleted (A; older notation c.647delA).
Protein change: p.Gln216fs; shifts the reading frame from glutamine 216.
Molecular consequence: frameshift variant.
Genome position (GRCh38, 1-based): chr16:53,686,562, T deleted on the plus strand (A on the coding strand, the reverse complement: RPGRIP1L is on the minus strand). VCF-style (leftmost placement, unchanged base first): chr16-53686561-CT-C. GRCh37 (hg19) VCF-style: chr16-53720473-CT-C.
Other names: c.647del, p.Gln216fs (NM_001127897.4, NM_001308334.3, NM_001330538.2); short protein forms Q216fs.
Identifiers: ClinVar variation 2922309 (VCV002922309.3), dbSNP rs2544640942, ClinGen allele CA2740093376.
Genomic context (GRCh38, chr16:53,686,561, plus strand): 5'-CAACTGAGTTTTCAGGATCTCAGCCAAGTGCTCTAACTCCTCTATCTGGCCTCTTTGTGA[CT>C]GAATAACGTTTTCTCTGAAATAAAGAGCCTCTGTAAGAACTTGTAGTTTGAGGAAAATTT-3'